The following is an entry in ClinVar:

NM_001174089.2(SLC4A11):c.973C>T (p.Pro325Ser)

Gene: SLC4A11 (solute carrier family 4 member 11; minus strand). Cytogenetic location: 20p13.
Variant type: single nucleotide variant.
Coding change: c.973C>T on transcript NM_001174089.2 (MANE Select); coding-DNA position 973, C replaced by T.
Protein change: p.Pro325Ser; replaces proline 325 with serine.
Molecular consequence: missense variant. On other transcripts: non-coding transcript variant (3).
Genome position (GRCh38, 1-based): chr20:3,231,218, G>A on the plus strand (C>T on the coding strand, the complement: SLC4A11 is on the minus strand). VCF-style: chr20-3231218-G-A. GRCh37 (hg19) VCF-style: chr20-3211864-G-A.
Other names: c.1102C>T, p.Pro368Ser (NM_001174090.2, NM_001400280.1); c.973C>T, p.Pro325Ser (NM_001363745.2); c.916C>T, p.Pro306Ser (NM_001400277.1, NM_001400278.1, NM_001400279.1); c.1021C>T, p.Pro341Ser (NM_032034.4); short protein forms P325S, P341S, P306S, P368S.
Identifiers: ClinVar variation 1981272 (VCV001981272.1), dbSNP rs2067761811, ClinGen allele CA408089571.

ClinVar aggregate classification (germline): Uncertain significance (1 of 4 stars; one submission).

Allele frequency attached by ClinVar (database versions not stated): TOPMed below 0.00001.

Submission:

Labcorp Genetics (formerly Invitae), Labcorp
Classification: Uncertain significance. Last evaluated: 2022-05-04. Review status: criteria provided, single submitter. Criteria: Invitae Variant Classification Sherloc (09022015). Collection method: clinical testing. Allele origin: germline.
Comment: This sequence change replaces proline, which is neutral and non-polar, with serine, which is neutral and polar, at codon 341 of the SLC4A11 protein (p.Pro341Ser). This variant is not present in population databases (gnomAD no frequency). This variant has not been reported in the literature in individuals affected with SLC4A11-related conditions. Algorithms developed to predict the effect of missense changes on protein structure and function output the following: SIFT: "Tolerated"; PolyPhen-2: "Benign"; Align-GVGD: "Class C0". The serine amino acid residue is found in multiple mammalian species, which suggests that this missense change does not adversely affect protein function. Algorithms developed to predict the effect of sequence changes on RNA splicing suggest that this variant may create or strengthen a splice site. In summary, the available evidence is currently insufficient to determine the role of this variant in disease. Therefore, it has been classified as a Variant of Uncertain Significance.